The following is an entry in ClinVar:

NM_001032386.2(SUOX):c.1281G>T (p.Ser427=)

Gene: SUOX (sulfite oxidase; plus strand). Cytogenetic location: 12q13.2.
Variant type: single nucleotide variant.
Coding change: c.1281G>T on transcript NM_001032386.2 (MANE Select); coding-DNA position 1281, G replaced by T.
Protein change: p.Ser427=; no amino-acid change (serine 427 retained).
Molecular consequence: synonymous variant.
Genome position (GRCh38, 1-based): chr12:56,004,670, G>T. VCF-style: chr12-56004670-G-T. GRCh37 (hg19) VCF-style: chr12-56398454-G-T.
Other names: p.Ser427=; c.1281G>T, p.Ser427= (NM_000456.3, NM_001032387.2).
Identifiers: ClinVar variation 309842 (VCV000309842.24), dbSNP rs773115, ClinGen allele CA6621141.

ClinVar aggregate classification (germline): Benign. Review status: criteria provided, multiple submitters, no conflicts (2 of 4 stars). 6 submissions from 6 submitters: Benign (5). 1 of the submissions does not count toward it. Last evaluated 2026-02-04.

Conditions:
Sulfite oxidase deficiency. Also called: Isolated sulfite oxidase deficiency. Identifiers: Orphanet 833, Orphanet 99731, MedGen C0268624, MONDO:0010089, OMIM 272300, HP:0003643.
SUOX-related disorder. Also called: SUOX-related condition.

Allele frequency attached by ClinVar (database versions not stated): 1000 Genomes Project 30x 0.01015; 1000 Genomes Project 0.01098.
gnomAD v4.1: 2,759 of 1,613,998 alleles (0.17%); highest among the groups gnomAD compares: East Asian, 5.3%; 70 homozygotes.

Submissions (12):

Labcorp Genetics (formerly Invitae), Labcorp
Classification: Benign for Sulfite oxidase deficiency. Last evaluated: 2026-02-04. Review status: criteria provided, single submitter. Criteria: Invitae Variant Classification Sherloc (09022015). Collection method: clinical testing. Allele origin: germline.

Mayo Clinic Laboratories, Mayo Clinic
Classification: Benign. Last evaluated: 2025-04-02. Review status: criteria provided, single submitter. Criteria: ACMG Guidelines, 2015. Collection method: clinical testing. Allele origin: germline. Observed: 1 variant allele.

Women's Health and Genetics/Laboratory Corporation of America, LabCorp
Classification: Benign. Last evaluated: 2022-02-18. Review status: criteria provided, single submitter. Criteria: LabCorp Variant Classification Summary - May 2015. Collection method: clinical testing. Allele origin: germline.

Illumina Laboratory Services, Illumina
Classification: Benign for Sulfite oxidase deficiency. Last evaluated: 2018-01-12. Review status: criteria provided, single submitter. Criteria: ICSL Variant Classification Criteria 13 December 2019. Collection method: clinical testing. Allele origin: germline.
Comment: This variant was observed in the ICSL laboratory as part of a predisposition screen in an ostensibly healthy population. It had not been previously curated by ICSL or reported in the Human Gene Mutation Database (HGMD: prior to June 1st, 2018), and was therefore a candidate for classification through an automated scoring system. Utilizing variant allele frequency, disease prevalence and penetrance estimates, and inheritance mode, an automated score was calculated to assess if this variant is too frequent to cause the disease. Based on the score and internal cut-off values, a variant classified as benign is not then subjected to further curation. The score for this variant resulted in a classification of benign for this disease.

Breakthrough Genomics
Classification: Benign. Review status: criteria provided, single submitter. Criteria: ACMG Guidelines, 2015. Collection method: not provided. Allele origin: germline. Inheritance: Autosomal recessive inheritance. Affected: yes.

PreventionGenetics, part of Exact Sciences
Classification: Benign for SUOX-related condition. Last evaluated: 2019-04-05. Review status: no assertion criteria provided. Collection method: clinical testing. Allele origin: germline. Not counted in ClinVar's aggregate classification.
Comment: This variant is classified as benign based on ACMG/AMP sequence variant interpretation guidelines (Richards et al. 2015 PMID: 25741868, with internal and published modifications).

Dr. Peter K. Rogan Lab, Western University
No classification provided (evidence only). Condition: Sarcoma. Review status: no classification provided. Collection method: in vitro. Allele origin: not applicable. Functional consequence: retained intron. Not counted in ClinVar's aggregate classification.

Dr. Peter K. Rogan Lab, Western University
No classification provided (evidence only). Condition: Nonpapillary renal cell carcinoma. Review status: no classification provided. Collection method: in vitro. Allele origin: not applicable. Functional consequence: retained intron. Not counted in ClinVar's aggregate classification.

Dr. Peter K. Rogan Lab, Western University
No classification provided (evidence only). Condition: Ovarian serous cystadenocarcinoma. Review status: no classification provided. Collection method: in vitro. Allele origin: not applicable. Functional consequence: retained intron. Not counted in ClinVar's aggregate classification.

Dr. Peter K. Rogan Lab, Western University
No classification provided (evidence only). Condition: Ovarian serous cystadenocarcinoma. Review status: no classification provided. Collection method: in vitro. Allele origin: not applicable. Functional consequence: retained intron. Not counted in ClinVar's aggregate classification.

Dr. Peter K. Rogan Lab, Western University
No classification provided (evidence only). Condition: Ovarian serous cystadenocarcinoma. Review status: no classification provided. Collection method: in vitro. Allele origin: not applicable. Functional consequence: retained intron. Not counted in ClinVar's aggregate classification.

Dr. Peter K. Rogan Lab, Western University
No classification provided (evidence only). Condition: Ovarian serous cystadenocarcinoma. Review status: no classification provided. Collection method: in vitro. Allele origin: not applicable. Functional consequence: retained intron. Not counted in ClinVar's aggregate classification.